The following is an entry in ClinVar:

NM_002788.4(PSMA3):c.467G>C (p.Gly156Ala)

Gene: PSMA3 (proteasome 20S subunit alpha 3; plus strand). Cytogenetic location: 14q23.1.
Variant type: single nucleotide variant.
Coding change: c.467G>C on transcript NM_002788.4 (MANE Select); coding-DNA position 467, G replaced by C.
Protein change: p.Gly156Ala; replaces glycine 156 with alanine.
Molecular consequence: missense variant. On other transcripts: non-coding transcript variant (1).
Genome position (GRCh38, 1-based): chr14:58,261,010, G>C. VCF-style: chr14-58261010-G-C. GRCh37 (hg19) VCF-style: chr14-58727728-G-C.
Other names: c.446G>C, p.Gly149Ala (NM_152132.3); short protein forms G156A, G149A.
Identifiers: ClinVar variation 2744769 (VCV002744769.3), dbSNP rs2502955391, ClinGen allele CA389849967.

ClinVar aggregate classification (germline): Uncertain significance (1 of 4 stars; one submission).

Submission:

Labcorp Genetics (formerly Invitae), Labcorp
Classification: Uncertain significance. Last evaluated: 2023-07-18. Review status: criteria provided, single submitter. Criteria: Invitae Variant Classification Sherloc (09022015). Collection method: clinical testing. Allele origin: germline.
Comment: In summary, the available evidence is currently insufficient to determine the role of this variant in disease. Therefore, it has been classified as a Variant of Uncertain Significance. An algorithm developed to predict the effect of missense changes on protein structure and function (PolyPhen-2) suggests that this variant is likely to be disruptive. This variant has not been reported in the literature in individuals affected with PSMA3-related conditions. This variant is not present in population databases (gnomAD no frequency). This sequence change replaces glycine, which is neutral and non-polar, with alanine, which is neutral and non-polar, at codon 156 of the PSMA3 protein (p.Gly156Ala).